The following is an entry in ClinVar:

ClinVar aggregate classification (germline): Conflicting classifications of pathogenicity. Review status: criteria provided, conflicting classifications (1 of 4 stars). 2 submissions from 2 submitters: Uncertain significance (1); Likely benign (1). Last evaluated 2026-01-19.

Conditions:
FBN2-related disorder. Also called: FBN2-related condition.
Congenital contractural arachnodactyly (CCA). Also called: Beals-Hecht syndrome; BEALS SYNDROME; Arthrogryposis, distal, type 9. Identifiers: Orphanet 115, MedGen C0220668, MONDO:0007363, OMIM 121050.

Allele frequency attached by ClinVar (database versions not stated): gnomAD 0.00001; gnomAD exomes 0.00001 and 0.00005; TOPMed 0.00003; ExAC 0.00005.
gnomAD v4.1: 17 of 1,613,478 alleles (0.0011%); highest among the groups gnomAD compares: Admixed American, 0.028%; no homozygotes.

Submissions (2):

Labcorp Genetics (formerly Invitae), Labcorp
Classification: Likely benign for Congenital contractural arachnodactyly. Last evaluated: 2026-01-19. Review status: criteria provided, single submitter. Criteria: Invitae Variant Classification Sherloc (09022015). Collection method: clinical testing. Allele origin: germline.

PreventionGenetics, part of Exact Sciences
Classification: Uncertain significance for FBN2-related condition. Last evaluated: 2025-09-23. Review status: criteria provided, single submitter. Criteria: ACMG Guidelines, 2015. Collection method: clinical testing. Allele origin: germline.
Comment: The FBN2 c.8705C>A variant is predicted to result in the amino acid substitution p.Ala2902Asp. To our knowledge, this variant has not been reported in the literature. This variant is reported in 0.038% of alleles in individuals of Latino descent in gnomAD. Although we suspect that this variant may be benign, at this time, the clinical significance of this variant is uncertain due to the absence of conclusive functional and genetic evidence.

NM_001999.4(FBN2):c.8705C>A (p.Ala2902Asp)

Gene: FBN2 (fibrillin 2; minus strand). Cytogenetic location: 5q23.3.
Variant type: single nucleotide variant.
Coding change: c.8705C>A on transcript NM_001999.4 (MANE Select); coding-DNA position 8705, C replaced by A.
Protein change: p.Ala2902Asp; replaces alanine 2902 with aspartic acid.
Molecular consequence: missense variant.
Genome position (GRCh38, 1-based): chr5:128,259,489, G>T on the plus strand (C>A on the coding strand, the complement: FBN2 is on the minus strand). VCF-style: chr5-128259489-G-T. GRCh37 (hg19) VCF-style: chr5-127595181-G-T.
Other names: c.8705C>A (NM_001999.3); short protein forms A2902D.
Identifiers: ClinVar variation 1569719 (VCV001569719.9), dbSNP rs757052151, ClinGen allele CA3393765.